The following is an entry in ClinVar:

ClinVar aggregate classification (germline): Likely benign (0 of 4 stars; one submission).

Conditions:
CSMD1-related disorder. Also called: CSMD1-related condition.

Allele frequency attached by ClinVar (database versions not stated): ESP Exome Variant Server 0.00016.
gnomAD v4.1: 353 of 1,593,974 alleles (0.022%); highest among the groups gnomAD compares: African/African-American, 0.06%; no homozygotes.

Submission:

PreventionGenetics, part of Exact Sciences
Classification: Likely benign for CSMD1-related condition. Last evaluated: 2019-07-12. Review status: no assertion criteria provided. Collection method: clinical testing. Allele origin: germline.
Comment: This variant is classified as likely benign based on ACMG/AMP sequence variant interpretation guidelines (Richards et al. 2015 PMID: 25741868, with internal and published modifications).

NM_033225.6(CSMD1):c.657C>T (p.Ile219=)

Gene: CSMD1 (CUB and Sushi multiple domains 1; minus strand). Cytogenetic location: 8p23.2.
Variant type: single nucleotide variant.
Coding change: c.657C>T on transcript NM_033225.6 (MANE Select); coding-DNA position 657, C replaced by T.
Protein change: p.Ile219=; no amino-acid change (isoleucine 219 retained).
Molecular consequence: synonymous variant.
Genome position (GRCh38, 1-based): chr8:3,998,064, G>A on the plus strand (C>T on the coding strand, the complement: CSMD1 is on the minus strand). VCF-style: chr8-3998064-G-A. GRCh37 (hg19) VCF-style: chr8-3855586-G-A.
Identifiers: ClinVar variation 3049406 (VCV003049406.2), dbSNP rs377287620, ClinGen allele CA4609498.